The following is an entry in ClinVar:

NM_007294.4(BRCA1):c.416A>G (p.Gln139Arg)

Gene: BRCA1 (BRCA1 DNA repair associated; minus strand). Cytogenetic location: 17q21.31.
Variant type: single nucleotide variant.
Coding change: c.416A>G on transcript NM_007294.4 (MANE Select); coding-DNA position 416, A replaced by G.
Protein change: p.Gln139Arg; replaces glutamine 139 with arginine.
Molecular consequence: missense variant. On other transcripts: non-coding transcript variant (1).
Genome position (GRCh38, 1-based): chr17:43,104,147, T>C on the plus strand (A>G on the coding strand, the complement: BRCA1 is on the minus strand). VCF-style: chr17-43104147-T-C. GRCh37 (hg19) VCF-style: chr17-41256164-T-C.
Other names: c.206A>G, p.Gln69Arg (NM_001407571.1, NM_001407853.1, NM_001407879.1 and 58 more transcripts); c.416A>G, p.Gln139Arg (NM_001407581.1, NM_001407582.1, NM_001407583.1 and 165 more transcripts); c.407A>G, p.Gln136Arg (NM_001407646.1, NM_001407647.1, NM_001408408.1); c.338A>G, p.Gln113Arg (NM_001407653.1, NM_001407654.1, NM_001407655.1 and 21 more transcripts); c.275A>G, p.Gln92Arg (NM_001407692.1, NM_001407694.1, NM_001407695.1 and 99 more transcripts); c.35A>G, p.Gln12Arg (NM_001407959.1, NM_001407960.1, NM_001407962.1 and 4 more transcripts); c.284A>G, p.Gln95Arg (NM_001408451.1); short protein forms Q139R, Q92R, Q113R, Q12R, Q136R, Q69R, Q95R.
Identifiers: ClinVar variation 185488 (VCV000185488.18), dbSNP rs786202213, ClinGen allele CA002670.

ClinVar aggregate classification (germline): Uncertain significance. Review status: criteria provided, multiple submitters, no conflicts (2 of 4 stars). 4 submissions from 4 submitters: Uncertain significance (4). Last evaluated 2025-02-08.

Conditions:
Hereditary cancer-predisposing syndrome. Also called: Tumor predisposition; Neoplastic Syndromes, Hereditary; Hereditary neoplastic syndrome; Hereditary Cancer Syndrome. Identifiers: Orphanet 140162, MedGen C0027672, MeSH D009386, MONDO:0015356.
Hereditary breast ovarian cancer syndrome. Also called: Hereditary breast and ovarian cancer syndrome; Hereditary breast and ovarian cancer syndrome (HBOC); Hereditary breast and ovarian cancer; Breast and ovarian cancer; BRCA1- and BRCA2-Associated Hereditary Breast and Ovarian Cancer; Hereditary breast and/or ovarian cancer syndrome. Identifiers: Orphanet 145, MedGen C0677776, MeSH D061325, MONDO:0003582. Disease mechanism: loss of function.

Submissions (4):

Ambry Genetics
Classification: Uncertain significance for Hereditary cancer-predisposing syndrome. Last evaluated: 2025-02-08. Review status: criteria provided, single submitter. Criteria: Ambry Variant Classification Scheme 2023. Collection method: clinical testing. Allele origin: germline.
Comment: The p.Q139R variant (also known as c.416A>G), located in coding exon 5 of the BRCA1 gene, results from an A to G substitution at nucleotide position 416. The glutamine at codon 139 is replaced by arginine, an amino acid with highly similar properties. This amino acid position is not well conserved in available vertebrate species. In addition, this alteration is predicted to be deleterious by in silico analysis. Since supporting evidence is limited at this time, the clinical significance of this alteration remains unclear.

Women's Health and Genetics/Laboratory Corporation of America, LabCorp
Classification: Uncertain significance. Last evaluated: 2024-11-11. Review status: criteria provided, single submitter. Criteria: LabCorp Variant Classification Summary - May 2015. Collection method: clinical testing. Allele origin: germline.
Comment: Variant summary: BRCA1 c.416A>G (p.Gln139Arg) results in a conservative amino acid change in the encoded protein sequence. Four of five in-silico tools predict a benign effect of the variant on protein function. The variant was absent in 251430 control chromosomes (gnomAD). The available data on variant occurrences in the general population are insufficient to allow any conclusion about variant significance. To our knowledge, no occurrence of c.416A>G in individuals affected with Hereditary Breast And Ovarian Cancer Syndrome has been reported. At least one publication reports experimental evidence evaluating an impact on protein function (Bouwman_2020). These results showed no damaging effect of this variant on ability to complement BRCA1-deficient mouse embryonic stem cells in homologous recombination DNA repair (HRR) using cisplatin and olaparib sensitivity assays and a direct GFP HRR assay. ClinVar contains an entry for this variant (Variation ID: 185488). Based on the evidence outlined above, the variant was classified as uncertain significance.

Blueprint Genetics
Classification: Uncertain significance. Last evaluated: 2024-04-17. Review status: criteria provided, single submitter. Criteria: ACMG Guidelines, 2015. Collection method: clinical testing. Allele origin: germline.

Labcorp Genetics (formerly Invitae), Labcorp
Classification: Uncertain significance for Hereditary breast ovarian cancer syndrome. Last evaluated: 2023-10-27. Review status: criteria provided, single submitter. Criteria: Invitae Variant Classification Sherloc (09022015). Collection method: clinical testing. Allele origin: germline.
Comment: This sequence change replaces glutamine, which is neutral and polar, with arginine, which is basic and polar, at codon 139 of the BRCA1 protein (p.Gln139Arg). This variant is not present in population databases (gnomAD no frequency). This variant has not been reported in the literature in individuals affected with BRCA1-related conditions. ClinVar contains an entry for this variant (Variation ID: 185488). Advanced modeling of protein sequence and biophysical properties (such as structural, functional, and spatial information, amino acid conservation, physicochemical variation, residue mobility, and thermodynamic stability) performed at Invitae indicates that this missense variant is not expected to disrupt BRCA1 protein function with a negative predictive value of 95%. In summary, the available evidence is currently insufficient to determine the role of this variant in disease. Therefore, it has been classified as a Variant of Uncertain Significance.

Literature cited by the submitters: PubMed 32546644 (cited by Women's Health and Genetics/Laboratory Corporation of America, LabCorp).